The following is an entry in ClinVar:

ClinVar aggregate classification (germline): Uncertain significance (1 of 4 stars; one submission).

Allele frequency attached by ClinVar (database versions not stated): TOPMed below 0.00001; gnomAD 0.00002.
gnomAD v4.1: 2 of 1,210,102 alleles (0.00017%); highest among the groups gnomAD compares: African/African-American, 0.0035%; no homozygotes.

Submission:

GeneDx
Classification: Uncertain significance. Last evaluated: 2025-10-07. Review status: criteria provided, single submitter. Criteria: GeneDx Variant Classification Process June 2021. Collection method: clinical testing. Allele origin: germline. Affected: yes.
Comment: Not observed at significant frequency in large population cohorts (gnomAD); In silico analysis suggests that this missense variant does not alter protein structure/function; Has not been previously published as pathogenic or benign to our knowledge

NM_001368397.1(FRMPD4):c.3535A>C (p.Lys1179Gln)

Gene: FRMPD4 (FERM and PDZ domain containing 4; plus strand). Cytogenetic location: Xp22.2.
Variant type: single nucleotide variant.
Coding change: c.3535A>C on transcript NM_001368397.1 (MANE Select); coding-DNA position 3535, A replaced by C.
Protein change: p.Lys1179Gln; replaces lysine 1179 with glutamine.
Molecular consequence: missense variant.
Genome position (GRCh38, 1-based): chrX:12,718,361, A>C. VCF-style: chrX-12718361-A-C. GRCh37 (hg19) VCF-style: chrX-12736480-A-C.
Other names: c.3646A>C, p.Lys1216Gln (NM_001368395.3, NM_001368398.3); c.3541A>C, p.Lys1181Gln (NM_001368396.3); c.3526A>C, p.Lys1176Gln (NM_001368399.3); c.3415A>C, p.Lys1139Gln (NM_001368400.3); c.3511A>C, p.Lys1171Gln (NM_001368401.1, NM_001368402.3); c.3535A>C, p.Lys1179Gln (NM_014728.3); short protein forms K1139Q, K1171Q, K1176Q, K1179Q, K1181Q, K1216Q.
Identifiers: ClinVar variation 2507220 (VCV002507220.2), dbSNP rs967134617, ClinGen allele CA326084530.